The following is an entry in ClinVar:

NM_000455.5(STK11):c.1033C>T (p.His345Tyr)

Genes: STK11 (serine/threonine kinase 11; plus strand), LOC130062899 (ATAC-STARR-seq lymphoblastoid active region 13597; plus strand). Cytogenetic location: 19p13.3.
Variant type: single nucleotide variant.
Coding change: c.1033C>T on transcript NM_000455.5 (MANE Select); coding-DNA position 1033, C replaced by T.
Protein change: p.His345Tyr; replaces histidine 345 with tyrosine.
Molecular consequence: missense variant.
Genome position (GRCh38, 1-based): chr19:1,223,097, C>T. VCF-style: chr19-1223097-C-T. GRCh37 (hg19) VCF-style: chr19-1223096-C-T.
Other names: c.1033C>T, p.His345Tyr (NM_001407255.1); short protein forms H345Y.
Identifiers: ClinVar variation 2078494 (VCV002078494.5), dbSNP rs2145431124, ClinGen allele CA402951773.

ClinVar aggregate classification (germline): Uncertain significance. Review status: criteria provided, multiple submitters, no conflicts (2 of 4 stars). 2 submissions from 2 submitters: Uncertain significance (2). Last evaluated 2025-09-28.

Conditions:
Hereditary cancer-predisposing syndrome. Also called: Hereditary Cancer Syndrome; Hereditary neoplastic syndrome; Neoplastic Syndromes, Hereditary; Tumor predisposition. Identifiers: Orphanet 140162, MedGen C0027672, MeSH D009386, MONDO:0015356.
Peutz-Jeghers syndrome (PJS). Also called: Peutz-Jeghers polyposis; Periorificial lentiginosis syndrome; POLYPOSIS, HAMARTOMATOUS INTESTINAL; POLYPS-AND-SPOTS SYNDROME. Identifiers: Orphanet 2869, MedGen C0031269, MeSH D010580, MONDO:0008280, OMIM 175200.

Submissions (2):

Ambry Genetics
Classification: Uncertain significance for Hereditary cancer-predisposing syndrome. Last evaluated: 2025-09-28. Review status: criteria provided, single submitter. Criteria: Ambry Variant Classification Scheme 2023. Collection method: clinical testing. Allele origin: germline.
Comment: The p.H345Y variant (also known as c.1033C>T), located in coding exon 8 of the STK11 gene, results from a C to T substitution at nucleotide position 1033. The histidine at codon 345 is replaced by tyrosine, an amino acid with similar properties. This amino acid position is conserved. In addition, the in silico prediction for this alteration is inconclusive. Based on the available evidence, the clinical significance of this variant remains unclear.

Labcorp Genetics (formerly Invitae), Labcorp
Classification: Uncertain significance for Peutz-Jeghers syndrome. Last evaluated: 2022-01-11. Review status: criteria provided, single submitter. Criteria: Invitae Variant Classification Sherloc (09022015). Collection method: clinical testing. Allele origin: germline.
Comment: In summary, the available evidence is currently insufficient to determine the role of this variant in disease. Therefore, it has been classified as a Variant of Uncertain Significance. Algorithms developed to predict the effect of sequence changes on RNA splicing suggest that this variant may create or strengthen a splice site. Algorithms developed to predict the effect of missense changes on protein structure and function are either unavailable or do not agree on the potential impact of this missense change (SIFT: "Tolerated"; PolyPhen-2: "Probably Damaging"; Align-GVGD: "Class C0"). This variant has not been reported in the literature in individuals affected with STK11-related conditions. This variant is not present in population databases (gnomAD no frequency). This sequence change replaces histidine, which is basic and polar, with tyrosine, which is neutral and polar, at codon 345 of the STK11 protein (p.His345Tyr).